The following is an entry in ClinVar:

NM_206933.4(USH2A):c.11391G>A (p.Gly3797=)

Gene: USH2A (usherin; minus strand). Cytogenetic location: 1q41.
Variant type: single nucleotide variant.
Coding change: c.11391G>A on transcript NM_206933.4 (MANE Select); coding-DNA position 11391, G replaced by A.
Protein change: p.Gly3797=; no amino-acid change (glycine 3797 retained).
Molecular consequence: synonymous variant.
Genome position (GRCh38, 1-based): chr1:215,743,334, C>T on the plus strand (G>A on the coding strand, the complement: USH2A is on the minus strand). VCF-style: chr1-215743334-C-T. GRCh37 (hg19) VCF-style: chr1-215916676-C-T.
Identifiers: ClinVar variation 795443 (VCV000795443.11), dbSNP rs751834075, ClinGen allele CA1393712.

ClinVar aggregate classification (germline): Likely benign. Review status: criteria provided, multiple submitters, no conflicts (2 of 4 stars). 3 submissions from 3 submitters: Likely benign (3). Last evaluated 2026-01-13.

Conditions:
USH2A-related disorder. Also called: USH2A-related condition; USH2A-related disorders. Identifiers: MedGen CN239332.

Allele frequency attached by ClinVar (database versions not stated): ExAC 0.00002; gnomAD exomes 0.00002; gnomAD 0.00003.
gnomAD v4.1: 37 of 1,589,716 alleles (0.0023%); highest among the groups gnomAD compares: Middle Eastern, 0.067%; no homozygotes.

Submissions (3):

Labcorp Genetics (formerly Invitae), Labcorp
Classification: Likely benign. Last evaluated: 2026-01-13. Review status: criteria provided, single submitter. Criteria: Invitae Variant Classification Sherloc (09022015). Collection method: clinical testing. Allele origin: germline.

PreventionGenetics, part of Exact Sciences
Classification: Likely benign for USH2A-related condition. Last evaluated: 2025-04-08. Review status: criteria provided, single submitter. Criteria: ACMG Guidelines, 2015. Collection method: clinical testing. Allele origin: germline.
Comment: This variant is classified as likely benign based on ACMG/AMP sequence variant interpretation guidelines (Richards et al. 2015 PMID: 25741868, with internal and published modifications).

Blueprint Genetics
Classification: Likely benign. Last evaluated: 2024-02-28. Review status: criteria provided, single submitter. Criteria: ACMG Guidelines, 2015. Collection method: clinical testing. Allele origin: germline.